The following is an entry in ClinVar:

ClinVar aggregate classification (germline): Uncertain significance (1 of 4 stars; one submission).

Conditions:
Autosomal dominant hypocalcemia 1 (HYPOC1). Also called: HYPOCALCEMIA, FAMILIAL. Identifiers: MedGen C3715128, MONDO:0011013, OMIM 601198.
Familial hypocalciuric hypercalcemia (FHH). Also called: Familial benign hypercalcemia. Identifiers: Orphanet 405, MedGen C1809471, MONDO:0018458.

Submission:

Labcorp Genetics (formerly Invitae), Labcorp
Classification: Uncertain significance for Familial hypocalciuric hypercalcemia; Autosomal dominant hypocalcemia 1. Last evaluated: 2024-04-04. Review status: criteria provided, single submitter. Criteria: Invitae Variant Classification Sherloc (09022015). Collection method: clinical testing. Allele origin: germline.
Comment: This sequence change replaces threonine, which is neutral and polar, with isoleucine, which is neutral and non-polar, at codon 560 of the CASR protein (p.Thr560Ile). This variant is present in population databases (rs768820665, gnomAD 0.0009%). This variant has not been reported in the literature in individuals affected with CASR-related conditions. An algorithm developed to predict the effect of missense changes on protein structure and function (PolyPhen-2) suggests that this variant is likely to be tolerated. In summary, the available evidence is currently insufficient to determine the role of this variant in disease. Therefore, it has been classified as a Variant of Uncertain Significance.

NM_000388.4(CASR):c.1679C>T (p.Thr560Ile)

Gene: CASR (calcium sensing receptor; plus strand). Cytogenetic location: 3q21.1.
Variant type: single nucleotide variant.
Coding change: c.1679C>T on transcript NM_000388.4 (MANE Select); coding-DNA position 1679, C replaced by T.
Protein change: p.Thr560Ile; replaces threonine 560 with isoleucine.
Molecular consequence: missense variant.
Genome position (GRCh38, 1-based): chr3:122,282,183, C>T. VCF-style: chr3-122282183-C-T. GRCh37 (hg19) VCF-style: chr3-122001030-C-T.
Other names: c.1709C>T, p.Thr570Ile (NM_001178065.2); short protein forms T560I, T570I.
Identifiers: ClinVar variation 3755425 (VCV003755425.2).